The following is an entry in ClinVar:

NM_032447.5(FBN3):c.2257C>G (p.Pro753Ala)

Gene: FBN3 (fibrillin 3; minus strand). Cytogenetic location: 19p13.2.
Variant type: single nucleotide variant.
Coding change: c.2257C>G on transcript NM_032447.5 (MANE Select); coding-DNA position 2257, C replaced by G.
Protein change: p.Pro753Ala; replaces proline 753 with alanine.
Molecular consequence: missense variant.
Genome position (GRCh38, 1-based): chr19:8,129,067, G>C on the plus strand (C>G on the coding strand, the complement: FBN3 is on the minus strand). VCF-style: chr19-8129067-G-C. GRCh37 (hg19) VCF-style: chr19-8193951-G-C.
Other names: c.2257C>G (NM_001321431.1, NM_032447.3); c.2257C>G, p.Pro753Ala (NM_001321431.2); short protein forms P753A.
Identifiers: ClinVar variation 2164199 (VCV002164199.7), dbSNP rs201220144, ClinGen allele CA9152978.

ClinVar aggregate classification (germline): Conflicting classifications of pathogenicity. Review status: criteria provided, conflicting classifications (1 of 4 stars). 3 submissions from 3 submitters: Uncertain significance (1); Likely benign (1). 1 of the submissions does not count toward it. Last evaluated 2025-04-14.

Conditions:
FBN3-related disorder. Also called: FBN3-related condition.

gnomAD v4.1: 178 of 1,613,336 alleles (0.011%); highest among the groups gnomAD compares: South Asian, 0.033%; 1 homozygote.

Submissions (3):

Labcorp Genetics (formerly Invitae), Labcorp
Classification: Likely benign. Last evaluated: 2025-04-14. Review status: criteria provided, single submitter. Criteria: Invitae Variant Classification Sherloc (09022015). Collection method: clinical testing. Allele origin: germline.

Ambry Genetics
Classification: Uncertain significance. Last evaluated: 2022-10-25. Review status: criteria provided, single submitter. Criteria: Ambry Variant Classification Scheme 2023. Collection method: clinical testing. Allele origin: germline.

PreventionGenetics, part of Exact Sciences
Classification: Likely benign for FBN3-related condition. Last evaluated: 2021-09-11. Review status: no assertion criteria provided. Collection method: clinical testing. Allele origin: germline. Not counted in ClinVar's aggregate classification.
Comment: This variant is classified as likely benign based on ACMG/AMP sequence variant interpretation guidelines (Richards et al. 2015 PMID: 25741868, with internal and published modifications).